The following is an entry in ClinVar:

ClinVar aggregate classification (germline): Likely pathogenic (1 of 4 stars; one submission).

Conditions:
Developmental and epileptic encephalopathy. Identifiers: MedGen C5779964, MONDO:0100620.

Submission:

Labcorp Genetics (formerly Invitae), Labcorp
Classification: Likely pathogenic for Early-infantile DEE. Last evaluated: 2023-02-17. Review status: criteria provided, single submitter. Criteria: Invitae Variant Classification Sherloc (09022015). Collection method: clinical testing. Allele origin: unknown.
Comment: This variant results in the deletion of exons 24-32 and part of exon 33 (c.2045+100_2902del) of the CACNA2D2 gene. It is expected to disrupt RNA splicing. Variants that disrupt the donor or acceptor splice site typically lead to a loss of protein function (PMID: 16199547), and loss-of-function variants in CACNA2D2 are known to be pathogenic (PMID: 24358150). This variant has not been reported in the literature in individuals affected with CACNA2D2-related conditions. In summary, the currently available evidence indicates that the variant is pathogenic, but additional data are needed to prove that conclusively. Therefore, this variant has been classified as Likely Pathogenic.

Literature cited by the submitters: PubMed 16199547; PubMed 24358150.

NC_000003.11:g.(?_50403254)_(50407651_?)del

Gene: CACNA2D2 (calcium voltage-gated channel auxiliary subunit alpha2delta 2; minus strand). Cytogenetic location: 3p21.31.
Variant type: Deletion.
Identifiers: ClinVar variation 3246868 (VCV003246868.1).